The following is an entry in ClinVar:

ClinVar aggregate classification (germline): Likely benign (1 of 4 stars; one submission).

Submission:

CeGaT Center for Human Genetics Tuebingen
Classification: Likely benign. Last evaluated: 2023-01-01. Review status: criteria provided, single submitter. Criteria: CeGaT Center For Human Genetics Tuebingen Variant Classification Criteria Version 2. Collection method: clinical testing. Allele origin: germline. Affected: yes. Observed: 1 variant allele.
Comment: AMER1: PM2:Supporting, BP4, BP7

NM_152424.4(AMER1):c.3030A>G (p.Ser1010=)

Gene: AMER1 (APC membrane recruitment protein 1; minus strand). Cytogenetic location: Xq11.2.
Variant type: single nucleotide variant.
Coding change: c.3030A>G on transcript NM_152424.4 (MANE Select); coding-DNA position 3030, A replaced by G.
Protein change: p.Ser1010=; no amino-acid change (serine 1010 retained).
Molecular consequence: synonymous variant.
Genome position (GRCh38, 1-based): chrX:64,190,257, T>C on the plus strand (A>G on the coding strand, the complement: AMER1 is on the minus strand). VCF-style: chrX-64190257-T-C. GRCh37 (hg19) VCF-style: chrX-63410137-T-C.
Identifiers: ClinVar variation 2660740 (VCV002660740.24), dbSNP rs1930213571, ClinGen allele CA517039987.
Genomic context (GRCh38, chrX:64,190,257, plus strand): 5'-CATGGGCAGGTGTAGGTGTGAGGGACGAGCTAGTTGAGGCCCAGATTCCCCAGGTGCCCT[T>C]GACTCTGGCACTGATAGTGATATTGACATGGTCATAGGAGGTATGCAACAGGTTGCCTGC-3'
Protein context (NP_689637.3, residues 1000-1020): TMSISLSVPE[Ser1010=]RAPGESGPQL